The following is an entry in ClinVar:

NM_001365951.3(KIF1B):c.2468C>T (p.Thr823Ile)

Gene: KIF1B (kinesin family member 1B; plus strand). Cytogenetic location: 1p36.22.
Variant type: single nucleotide variant.
Coding change: c.2468C>T on transcript NM_001365951.3 (MANE Select); coding-DNA position 2468, C replaced by T.
Protein change: p.Thr823Ile; replaces threonine 823 with isoleucine.
Molecular consequence: missense variant.
Genome position (GRCh38, 1-based): chr1:10,323,993, C>T. VCF-style: chr1-10323993-C-T. GRCh37 (hg19) VCF-style: chr1-10384051-C-T.
Other names: c.2468C>T, p.Thr823Ile (NM_001365952.1); c.2330C>T, p.Thr777Ile (NM_015074.3); short protein forms T777I, T823I.
Identifiers: ClinVar variation 1057018 (VCV001057018.13), dbSNP rs901431074, ClinGen allele CA17835943.

ClinVar aggregate classification (germline): Uncertain significance. Review status: criteria provided, multiple submitters, no conflicts (2 of 4 stars). 2 submissions from 2 submitters: Uncertain significance (2). Last evaluated 2025-09-28.

Conditions:
Charcot-Marie-Tooth disease type 2. Also called: Charcot-Marie-Tooth type 2. Identifiers: Orphanet 64746, MedGen C0270914, MONDO:0018993.

Allele frequency attached by ClinVar (database versions not stated): TOPMed below 0.00001; gnomAD exomes 0.00001.
gnomAD v4.1: 18 of 1,614,160 alleles (0.0011%); highest among the groups gnomAD compares: East Asian, 0.0022%; no homozygotes.

Submissions (2):

Labcorp Genetics (formerly Invitae), Labcorp
Classification: Uncertain significance for Charcot-Marie-Tooth disease type 2. Last evaluated: 2025-09-28. Review status: criteria provided, single submitter. Criteria: Invitae Variant Classification Sherloc (09022015). Collection method: clinical testing. Allele origin: germline.
Comment: This sequence change replaces threonine, which is neutral and polar, with isoleucine, which is neutral and non-polar, at codon 777 of the KIF1B protein (p.Thr777Ile). This variant is present in population databases (no rsID available, gnomAD 0.002%). This variant has not been reported in the literature in individuals affected with KIF1B-related conditions. ClinVar contains an entry for this variant (Variation ID: 1057018). An algorithm developed to predict the effect of missense changes on protein structure and function (PolyPhen-2) suggests that this variant is likely to be disruptive. In summary, the available evidence is currently insufficient to determine the role of this variant in disease. Therefore, it has been classified as a Variant of Uncertain Significance.

Ambry Genetics
Classification: Uncertain significance. Last evaluated: 2025-08-30. Review status: criteria provided, single submitter. Criteria: Ambry Variant Classification Scheme 2023. Collection method: clinical testing. Allele origin: germline.